The following is an entry in ClinVar:

NM_016097.5(IER3IP1):c.194-288G>A

Gene: IER3IP1 (immediate early response 3 interacting protein 1; minus strand). Cytogenetic location: 18q21.1.
Variant type: single nucleotide variant.
Coding change: c.194-288G>A on transcript NM_016097.5 (MANE Select); 288 bases into the intron before coding-DNA position 194, G replaced by A.
Molecular consequence: intron variant.
Genome position (GRCh38, 1-based): chr18:47,156,520, C>T on the plus strand (G>A on the coding strand, the complement: IER3IP1 is on the minus strand). VCF-style: chr18-47156520-C-T. GRCh37 (hg19) VCF-style: chr18-44682891-C-T.
Identifiers: ClinVar variation 668869 (VCV000668869.1), dbSNP rs2668760, ClinGen allele CA14516398.

ClinVar aggregate classification (germline): Benign (1 of 4 stars; one submission).

Allele frequency attached by ClinVar (database versions not stated): 1000 Genomes Project 0.46705; 1000 Genomes Project 30x 0.47049; TOPMed 0.54819; gnomAD 0.55659 and 0.56339.
gnomAD v4.1: 84,617 of 151,856 alleles (56%); highest among the groups gnomAD compares: Middle Eastern, 61%; 23,717 homozygotes.

Submission:

GeneDx
Classification: Benign. Last evaluated: 2018-06-16. Review status: criteria provided, single submitter. Criteria: GeneDx Variant Classification (06012015). Collection method: clinical testing. Allele origin: germline. Affected: yes.
Comment: This variant is considered likely benign or benign based on one or more of the following criteria: it is a conservative change, it occurs at a poorly conserved position in the protein, it is predicted to be benign by multiple in silico algorithms, and/or has population frequency not consistent with disease.